The following is an entry in ClinVar:

NM_138459.5(NUS1):c.314dup (p.Thr106fs)

Gene: NUS1 (NUS1 dehydrodolichyl diphosphate synthase subunit; plus strand). Cytogenetic location: 6q22.1.
Variant type: Duplication.
Coding change: c.314dup on transcript NM_138459.5 (MANE Select); coding-DNA position 314, one base duplicated (T; older notation c.314dupT).
Protein change: p.Thr106fs; shifts the reading frame from threonine 106.
Molecular consequence: frameshift variant.
Genome position (GRCh38, 1-based): chr6:117,675,984, T duplicated. VCF-style (leftmost placement, unchanged base first): chr6-117675983-A-AT. GRCh37 (hg19) VCF-style: chr6-117997146-A-AT.
Other names: short protein forms T106fs.
Identifiers: ClinVar variation 3776132 (VCV003776132.1).

ClinVar aggregate classification (germline): Likely pathogenic (1 of 4 stars; one submission).

Conditions:
Intellectual developmental disorder, autosomal dominant 55, with seizures. Also called: MENTAL RETARDATION, AUTOSOMAL DOMINANT 55, WITH SEIZURES; Intellectual disability, autosomal dominant 55, with seizures. Identifiers: MedGen C4693371, MONDO:0030921, OMIM 617831.

Submission:

3billion
Classification: Likely pathogenic for Intellectual developmental disorder, autosomal dominant 55, with seizures. Last evaluated: 2023-08-02. Review status: criteria provided, single submitter. Criteria: ACMG Guidelines, 2015. Collection method: clinical testing. Allele origin: germline. Affected: yes.
Comment: The variant is not observed in the gnomAD v2.1.1 dataset. Predicted Consequence/Location: Frameshift: predicted to result in a loss or disruption of normal protein function through nonsense-mediated decay (NMD) or protein truncation. Multiple pathogenic variants are reported downstream of the variant. Therefore, this variant is classified as Likely pathogenic according to the recommendation of ACMG/AMP guideline.